The following is an entry in ClinVar:

NM_001006658.3(CR2):c.1646del (p.Gly549fs)

Gene: CR2 (complement C3d receptor 2; plus strand). Cytogenetic location: 1q32.2.
Variant type: Deletion.
Coding change: c.1646del on transcript NM_001006658.3 (MANE Select); coding-DNA position 1646, one base deleted (G; older notation c.1646delG).
Protein change: p.Gly549fs; shifts the reading frame from glycine 549.
Molecular consequence: frameshift variant.
Genome position (GRCh38, 1-based): chr1:207,472,847, G deleted; the last of 2 consecutive G bases (chr1:207,472,846-207,472,847); deleting either gives the same sequence. VCF-style (leftmost placement, unchanged base first): chr1-207472845-TG-T. GRCh37 (hg19) VCF-style: chr1-207646190-TG-T.
Other names: c.1646del, p.Gly549fs (NM_001877.5); short protein forms G549fs.
Identifiers: ClinVar variation 945697 (VCV000945697.7), dbSNP rs1658320297, ClinGen allele CA1139656517.

ClinVar aggregate classification (germline): Pathogenic (1 of 4 stars; one submission).

Conditions:
Immunodeficiency, common variable, 7. Identifiers: Orphanet 1572, Orphanet 696894, MedGen C3542922, MONDO:0013862, OMIM 614699.

Submission:

Labcorp Genetics (formerly Invitae), Labcorp
Classification: Pathogenic for Immunodeficiency, common variable, 7. Last evaluated: 2022-09-19. Review status: criteria provided, single submitter. Criteria: Invitae Variant Classification Sherloc (09022015). Collection method: clinical testing. Allele origin: germline.
Comment: For these reasons, this variant has been classified as Pathogenic. ClinVar contains an entry for this variant (Variation ID: 945697). This variant has not been reported in the literature in individuals affected with CR2-related conditions. This variant is not present in population databases (gnomAD no frequency). This sequence change creates a premature translational stop signal (p.Gly549Glufs*78) in the CR2 gene. It is expected to result in an absent or disrupted protein product. Loss-of-function variants in CR2 are known to be pathogenic (PMID: 26325596, 28499783).

Literature cited by the submitters: PubMed 26325596; PubMed 28499783.